The following is an entry in ClinVar:

NM_152703.5(SAMD9L):c.841A>C (p.Lys281Gln)

Gene: SAMD9L (sterile alpha motif domain containing 9 like; minus strand). Cytogenetic location: 7q21.2.
Variant type: single nucleotide variant.
Coding change: c.841A>C on transcript NM_152703.5 (MANE Select); coding-DNA position 841, A replaced by C.
Protein change: p.Lys281Gln; replaces lysine 281 with glutamine.
Molecular consequence: missense variant.
Genome position (GRCh38, 1-based): chr7:93,135,131, T>G on the plus strand (A>C on the coding strand, the complement: SAMD9L is on the minus strand). VCF-style: chr7-93135131-T-G. GRCh37 (hg19) VCF-style: chr7-92764444-T-G.
Other names: c.841A>C, p.Lys281Gln (NM_001303496.3, NM_001303497.3, NM_001303498.3 and 5 more transcripts); short protein forms K281Q.
Identifiers: ClinVar variation 4844804 (VCV004844804.1).
Genomic context (GRCh38, chr7:93,135,131, plus strand): 5'-CAGATGGTGTATTGTTCTGCAGAAGGACTTCCACAAACCTTGGCTCCCGAATACACTTCT[T>G]GGCTTCATTGATCTCACTTTCTTCAAAATACTTTTTGATCATTACATTGAAGTGGTCAAT-3'
Protein context (NP_689916.2, residues 271-291): YFEESEINEA[Lys281Gln]KCIREPRFVE

ClinVar aggregate classification (germline): Uncertain significance (1 of 4 stars; one submission).

Conditions:
Inborn genetic diseases. Identifiers: MedGen C0950123, MeSH D030342.

Submission:

Ambry Genetics
Classification: Uncertain significance for Inborn genetic diseases. Last evaluated: 2026-01-20. Review status: criteria provided, single submitter. Criteria: Ambry Variant Classification Scheme 2023. Collection method: clinical testing. Allele origin: germline.
Comment: The p.K281Q variant (also known as c.841A>C), located in coding exon 1 of the SAMD9L gene, results from an A to C substitution at nucleotide position 841. The lysine at codon 281 is replaced by glutamine, an amino acid with similar properties. This amino acid position is conserved. In addition, this alteration is predicted to be tolerated by in silico analysis. Based on the available evidence, the clinical significance of this variant remains unclear.